The following is an entry in ClinVar:

NM_177438.3(DICER1):c.2257-3T>G

Gene: DICER1 (dicer 1, ribonuclease III; minus strand). Cytogenetic location: 14q32.13.
Variant type: single nucleotide variant.
Coding change: c.2257-3T>G on transcript NM_177438.3 (MANE Select); 3 bases into the intron before coding-DNA position 2257, T replaced by G.
Molecular consequence: intron variant.
Genome position (GRCh38, 1-based): chr14:95,108,506, A>C on the plus strand (T>G on the coding strand, the complement: DICER1 is on the minus strand). VCF-style: chr14-95108506-A-C. GRCh37 (hg19) VCF-style: chr14-95574843-A-C.
Other names: c.2257-3T>G (NM_001291628.2, NM_030621.4, NM_001395677.1 and 12 more transcripts); c.1852-3T>G (NM_001395690.1, NM_001395687.1, NM_001395689.1 and 2 more transcripts); c.1975-3T>G (NM_001395686.1); c.1690-3T>G (NM_001395691.1); c.574-3T>G (NM_001395697.1).
Identifiers: ClinVar variation 1788535 (VCV001788535.6), dbSNP rs2542858390, ClinGen allele CA2575616392.

ClinVar aggregate classification (germline): Uncertain significance. Review status: criteria provided, multiple submitters, no conflicts (2 of 4 stars). 2 submissions from 2 submitters: Uncertain significance (2). Last evaluated 2025-05-13.

Conditions:
Hereditary cancer-predisposing syndrome. Also called: Tumor predisposition; Neoplastic Syndromes, Hereditary; Hereditary Cancer Syndrome; Hereditary neoplastic syndrome. Identifiers: Orphanet 140162, MedGen C0027672, MeSH D009386, MONDO:0015356.
DICER1-related tumor predisposition. Also called: DICER1-related pleuropulmonary blastoma cancer predisposition syndrome; DICER1 syndrome. Identifiers: Orphanet 284343, MedGen C3839822, MONDO:0100216.

Submissions (2):

Ambry Genetics
Classification: Uncertain significance for Hereditary cancer-predisposing syndrome. Last evaluated: 2025-05-13. Review status: criteria provided, single submitter. Criteria: Ambry Variant Classification Scheme 2023. Collection method: clinical testing. Allele origin: germline.
Comment: The c.2257-3T>G intronic variant results from a T to G substitution 3 nucleotides upstream from coding exon 14 in the DICER1 gene. This nucleotide position is not well conserved in available vertebrate species. In silico splice site analysis predicts that this alteration may result in the creation or strengthening of a novel splice acceptor site; however, direct evidence is insufficient at this time (Ambry internal data). Based on the available evidence, the clinical significance of this variant remains unclear.

Labcorp Genetics (formerly Invitae), Labcorp
Classification: Uncertain significance for DICER1-related tumor predisposition. Last evaluated: 2024-11-04. Review status: criteria provided, single submitter. Criteria: Invitae Variant Classification Sherloc (09022015). Collection method: clinical testing. Allele origin: germline.
Comment: This sequence change falls in intron 14 of the DICER1 gene. It does not directly change the encoded amino acid sequence of the DICER1 protein. It affects a nucleotide within the consensus splice site. This variant is not present in population databases (gnomAD no frequency). This variant has not been reported in the literature in individuals affected with DICER1-related conditions. ClinVar contains an entry for this variant (Variation ID: 1788535). Variants that disrupt the consensus splice site are a relatively common cause of aberrant splicing (PMID: 17576681, 9536098). Algorithms developed to predict the effect of sequence changes on RNA splicing suggest that this variant may disrupt the consensus splice site. In summary, the available evidence is currently insufficient to determine the role of this variant in disease. Therefore, it has been classified as a Variant of Uncertain Significance.

Literature cited by the submitters: PubMed 17576681 (cited by Labcorp Genetics (formerly Invitae), Labcorp); PubMed 9536098 (cited by Labcorp Genetics (formerly Invitae), Labcorp).